The following is an entry in ClinVar:

NM_032242.4(PLXNA1):c.2466C>T (p.Ala822=)

Gene: PLXNA1 (plexin A1; plus strand). Cytogenetic location: 3q21.3.
Variant type: single nucleotide variant.
Coding change: c.2466C>T on transcript NM_032242.4 (MANE Select); coding-DNA position 2466, C replaced by T.
Protein change: p.Ala822=; no amino-acid change (alanine 822 retained).
Molecular consequence: synonymous variant.
Genome position (GRCh38, 1-based): chr3:127,014,237, C>T. VCF-style: chr3-127014237-C-T. GRCh37 (hg19) VCF-style: chr3-126733080-C-T.
Identifiers: ClinVar variation 3036890 (VCV003036890.2), dbSNP rs192037345, ClinGen allele CA2593636.
Genomic context (GRCh38, chr3:127,014,237, plus strand): 5'-CACAGCGCACCTCTACAAGTGCCCGGCCCTGCGCGAGAGCTGCGGCCTCTGCCTCAAGGC[C>T]GACCCGCGCTTCGAGTGCGGATGGTGCGTGGCCGAGCGCCGCTGCTCCCTGCGACACCAC-3'
Protein context (NP_115618.3, residues 812-832): LRESCGLCLK[Ala822=]DPRFECGWCV

ClinVar aggregate classification (germline): Likely benign (0 of 4 stars; one submission).

Conditions:
PLXNA1-related disorder. Also called: PLXNA1-related condition.

Allele frequency attached by ClinVar (database versions not stated): TOPMed 0.00009; ExAC 0.00010; 1000 Genomes Project 30x 0.00016; ESP Exome Variant Server 0.00016; 1000 Genomes Project 0.00020.
gnomAD v4.1: 191 of 1,605,254 alleles (0.012%); highest among the groups gnomAD compares: East Asian, 0.038%; no homozygotes.

Submission:

PreventionGenetics, part of Exact Sciences
Classification: Likely benign for PLXNA1-related condition. Last evaluated: 2022-03-02. Review status: no assertion criteria provided. Collection method: clinical testing. Allele origin: germline.
Comment: This variant is classified as likely benign based on ACMG/AMP sequence variant interpretation guidelines (Richards et al. 2015 PMID: 25741868, with internal and published modifications).